The following is an entry in ClinVar:

NM_018941.4(CLN8):c.548del (p.Gly183fs)

Gene: CLN8 (CLN8 transmembrane ER and ERGIC protein; plus strand). Cytogenetic location: 8p23.3.
Variant type: Deletion.
Coding change: c.548del on transcript NM_018941.4 (MANE Select); coding-DNA position 548, one base deleted (G; older notation c.548delG).
Protein change: p.Gly183fs; shifts the reading frame from glycine 183.
Molecular consequence: frameshift variant.
Genome position (GRCh38, 1-based): chr8:1,780,254, G deleted; the last of 3 consecutive G bases (chr8:1,780,252-1,780,254); deleting any one gives the same sequence. VCF-style (leftmost placement, unchanged base first): chr8-1780251-CG-C. GRCh37 (hg19) VCF-style: chr8-1728417-CG-C.
Other names: short protein forms G183fs.
Identifiers: ClinVar variation 2747381 (VCV002747381.4), dbSNP rs2486488263, ClinGen allele CA2697549733.

ClinVar aggregate classification (germline): Pathogenic. Review status: criteria provided, multiple submitters, no conflicts (2 of 4 stars). 2 submissions from 2 submitters: Pathogenic (2). Last evaluated 2026-02-26.

Conditions:
Neuronal ceroid lipofuscinosis. Also called: Neuronal Ceroid Lipofuscinoses. Identifiers: Orphanet 216, Orphanet 79263, MedGen C0027877, MONDO:0016295. Disease mechanism: loss of function.

Submissions (2):

Myriad Genetics, Inc.
Classification: Pathogenic for Neuronal ceroid lipofuscinosis. Last evaluated: 2026-02-26. Review status: criteria provided, single submitter. Criteria: Myriad Autosomal Dominant, Autosomal Recessive and X-Linked Classification Criteria (2023). Collection method: clinical testing. Allele origin: unknown.
Comment: NM_018941.3(CLN8):c.548delG(G183Afs*14) is a frameshift variant classified as pathogenic in the context of CLN8-related neuronal ceroid lipofuscinosis. G183Afs*14 has not been observed in cases with relevant disease. Relevant functional assessments of this variant are not available in the literature. G183Afs*14 has not been observed in referenced population frequency databases. In summary, NM_018941.3(CLN8):c.548delG(G183Afs*14) is a frameshift variant in a gene where loss of function is a known mechanism of disease and is predicted to disrupt protein function. Please note: this variant was assessed in the context of healthy population screening.

Labcorp Genetics (formerly Invitae), Labcorp
Classification: Pathogenic for Neuronal ceroid lipofuscinosis. Last evaluated: 2023-07-27. Review status: criteria provided, single submitter. Criteria: Invitae Variant Classification Sherloc (09022015). Collection method: clinical testing. Allele origin: germline.
Comment: For these reasons, this variant has been classified as Pathogenic. This variant disrupts a region of the CLN8 protein in which other variant(s) (p.Trp263Cys) have been determined to be pathogenic (PMID: 15024724). This suggests that this is a clinically significant region of the protein, and that variants that disrupt it are likely to be disease-causing. This variant has not been reported in the literature in individuals affected with CLN8-related conditions. This variant is not present in population databases (gnomAD no frequency). This sequence change creates a premature translational stop signal (p.Gly183Alafs*14) in the CLN8 gene. While this is not anticipated to result in nonsense mediated decay, it is expected to disrupt the last 104 amino acid(s) of the CLN8 protein.

Literature cited by the submitters: PubMed 15024724 (cited by Labcorp Genetics (formerly Invitae), Labcorp).